The following is an entry in ClinVar:

NM_003640.5(ELP1):c.3222+113A>G

Gene: ELP1 (elongator acetyltransferase complex subunit 1; minus strand). Cytogenetic location: 9q31.3.
Variant type: single nucleotide variant.
Coding change: c.3222+113A>G on transcript NM_003640.5 (MANE Select); 113 bases into the intron after coding-DNA position 3222, A replaced by G.
Molecular consequence: intron variant.
Genome position (GRCh38, 1-based): chr9:108,889,219, T>C on the plus strand (A>G on the coding strand, the complement: ELP1 is on the minus strand). VCF-style: chr9-108889219-T-C. GRCh37 (hg19) VCF-style: chr9-111651499-T-C.
Other names: NC_000009.11:g.111651499T>C; c.2880+113A>G (NM_001318360.2); c.2175+113A>G (NM_001330749.2).
Identifiers: ClinVar variation 681917 (VCV000681917.6), dbSNP rs3780509, ClinGen allele CA197528259.

ClinVar aggregate classification (germline): Benign. Review status: criteria provided, multiple submitters, no conflicts (2 of 4 stars). 3 submissions from 3 submitters: Benign (3). Last evaluated 2021-07-01.

Conditions:
Familial dysautonomia. Also called: HSAN III; FD. Identifiers: Orphanet 1764, MedGen C0013364, MONDO:0009131, OMIM 223900. Disease mechanism: loss of function.

Allele frequency attached by ClinVar (database versions not stated): gnomAD exomes 0.12362; gnomAD 0.18039 and 0.18545; 1000 Genomes Project 0.18490; 1000 Genomes Project 30x 0.19207; TOPMed 0.19309.

Submissions (8):

Genome-Nilou Lab
Classification: Benign for Familial dysautonomia. Last evaluated: 2021-07-01. Review status: criteria provided, single submitter. Criteria: ACMG Guidelines, 2015. Collection method: clinical testing. Allele origin: germline. Affected: no.

GeneDx
Classification: Benign. Last evaluated: 2018-06-14. Review status: criteria provided, single submitter. Criteria: GeneDx Variant Classification (06012015). Collection method: clinical testing. Allele origin: germline. Affected: yes.
Comment: This variant is considered likely benign or benign based on one or more of the following criteria: it is a conservative change, it occurs at a poorly conserved position in the protein, it is predicted to be benign by multiple in silico algorithms, and/or has population frequency not consistent with disease.

Breakthrough Genomics
Classification: Benign. Review status: criteria provided, single submitter. Criteria: ACMG Guidelines, 2015. Collection method: not provided. Allele origin: germline. Inheritance: Autosomal recessive inheritance. Affected: yes.

Dr. Peter K. Rogan Lab, Western University
No classification provided (evidence only). Condition: Cholangiocarcinoma. Review status: no classification provided. Collection method: in vitro. Allele origin: not applicable. Functional consequence: retained intron. Not counted in ClinVar's aggregate classification.

Dr. Peter K. Rogan Lab, Western University
No classification provided (evidence only). Condition: Cholangiocarcinoma. Review status: no classification provided. Collection method: in vitro. Allele origin: not applicable. Functional consequence: retained intron. Not counted in ClinVar's aggregate classification.

Dr. Peter K. Rogan Lab, Western University
No classification provided (evidence only). Condition: Cholangiocarcinoma. Review status: no classification provided. Collection method: in vitro. Allele origin: not applicable. Functional consequence: retained intron. Not counted in ClinVar's aggregate classification.

Dr. Peter K. Rogan Lab, Western University
No classification provided (evidence only). Condition: Uterine carcinosarcoma. Review status: no classification provided. Collection method: in vitro. Allele origin: not applicable. Functional consequence: retained intron. Not counted in ClinVar's aggregate classification.

Dr. Peter K. Rogan Lab, Western University
No classification provided (evidence only). Condition: Uterine carcinosarcoma. Review status: no classification provided. Collection method: in vitro. Allele origin: not applicable. Functional consequence: retained intron. Not counted in ClinVar's aggregate classification.